The following is an entry in ClinVar:

NM_000051.4(ATM):c.4033G>A (p.Val1345Met)

Gene: ATM (ATM serine/threonine kinase; plus strand). Cytogenetic location: 11q22.3.
Variant type: single nucleotide variant.
Coding change: c.4033G>A on transcript NM_000051.4 (MANE Select); coding-DNA position 4033, G replaced by A.
Protein change: p.Val1345Met; replaces valine 1345 with methionine.
Molecular consequence: missense variant.
Genome position (GRCh38, 1-based): chr11:108,287,639, G>A. VCF-style: chr11-108287639-G-A. GRCh37 (hg19) VCF-style: chr11-108158366-G-A.
Other names: c.4033G>A, p.Val1345Met (NM_001351834.2); short protein forms V1345M.
Identifiers: ClinVar variation 663140 (VCV000663140.8), dbSNP rs1216931701, ClinGen allele CA382527722.

ClinVar aggregate classification (germline): Uncertain significance. Review status: criteria provided, multiple submitters, no conflicts (2 of 4 stars). 2 submissions from 2 submitters: Uncertain significance (2). Last evaluated 2025-06-03.

Conditions:
Hereditary cancer-predisposing syndrome. Also called: Neoplastic Syndromes, Hereditary; Hereditary neoplastic syndrome; Tumor predisposition; Hereditary Cancer Syndrome. Identifiers: Orphanet 140162, MedGen C0027672, MeSH D009386, MONDO:0015356.
Ataxia-telangiectasia syndrome (AT). Also called: Ataxia-telangiectasia, complementation group D; AT, COMPLEMENTATION GROUP C; Ataxia telangiectasia (A-T); Cerebello-oculocutaneous telangiectasia; Immunodeficiency with ataxia telangiectasia; ATAXIA-TELANGIECTASIA, COMPLEMENTATION GROUP A. Identifiers: Orphanet 100, MedGen C0004135, MONDO:0008840, OMIM 208900.

Allele frequency attached by ClinVar (database versions not stated): gnomAD exomes below 0.00001.
gnomAD v4.1: 1 of 1,613,604 alleles (0.000062%); highest among the groups gnomAD compares: Non-Finnish European, 0.000085%; no homozygotes.

Submissions (2):

Labcorp Genetics (formerly Invitae), Labcorp
Classification: Uncertain significance for Ataxia-telangiectasia syndrome. Last evaluated: 2025-06-03. Review status: criteria provided, single submitter. Criteria: Invitae Variant Classification Sherloc (09022015). Collection method: clinical testing. Allele origin: germline.
Comment: This sequence change replaces valine, which is neutral and non-polar, with methionine, which is neutral and non-polar, at codon 1345 of the ATM protein (p.Val1345Met). This variant is not present in population databases (gnomAD no frequency). This variant has not been reported in the literature in individuals affected with ATM-related conditions. ClinVar contains an entry for this variant (Variation ID: 663140). Invitae Evidence Modeling of protein sequence and biophysical properties (such as structural, functional, and spatial information, amino acid conservation, physicochemical variation, residue mobility, and thermodynamic stability) indicates that this missense variant is not expected to disrupt ATM protein function with a negative predictive value of 95%. In summary, the available evidence is currently insufficient to determine the role of this variant in disease. Therefore, it has been classified as a Variant of Uncertain Significance.

Ambry Genetics
Classification: Uncertain significance for Hereditary cancer-predisposing syndrome. Last evaluated: 2025-04-19. Review status: criteria provided, single submitter. Criteria: Ambry Variant Classification Scheme 2023. Collection method: clinical testing. Allele origin: germline.
Comment: The p.V1345M variant (also known as c.4033G>A), located in coding exon 26 of the ATM gene, results from a G to A substitution at nucleotide position 4033. The valine at codon 1345 is replaced by methionine, an amino acid with highly similar properties. This amino acid position is conserved. In addition, the in silico prediction for this alteration is inconclusive. Based on the available evidence, the clinical significance of this variant remains unclear.